The following is an entry in ClinVar:

ClinVar aggregate classification (germline): Uncertain significance (1 of 4 stars; one submission).

Conditions:
Cardiomyopathy (CMYO). Also called: Cardiomyopathies. Identifiers: Orphanet 167848, MedGen C0878544, MONDO:0004994, HP:0001638. Inheritance: Various modes of inheritance.

gnomAD v4.1: 6 of 1,611,334 alleles (0.00037%); highest among the groups gnomAD compares: South Asian, 0.0066%; no homozygotes.

Submission:

Color Diagnostics, LLC DBA Color Health
Classification: Uncertain significance for Cardiomyopathy. Last evaluated: 2025-07-02. Review status: criteria provided, single submitter. Criteria: ACMG Guidelines, 2015. Collection method: clinical testing. Allele origin: germline.
Comment: This missense variant replaces aspartic acid with histidine at codon 2473 of the RYR2 protein. This variant occurs in a region of the RYR2 protein that is considered to be a hotspot for pathogenic variants that contribute to catecholaminergic polymorphic ventricular tachycardia susceptibility (PMID: 29453246, 30696458). Computational prediction suggests that this variant may have a deleterious impact on protein structure and function. To our knowledge, functional studies have not been reported for this variant. This variant has not been reported in individuals affected with RYR2-related disorders in the literature. This variant has been identified in 1/244536 chromosomes in the general population by the Genome Aggregation Database (gnomAD). The available evidence is insufficient to determine the role of this variant in disease conclusively. Therefore, this variant is classified as a Variant of Uncertain Significance.

Literature cited by the submitters: PubMed 29453246; PubMed 30696458.

NM_001035.3(RYR2):c.7417G>C (p.Asp2473His)

Gene: RYR2 (ryanodine receptor 2; plus strand). Cytogenetic location: 1q43.
Variant type: single nucleotide variant.
Coding change: c.7417G>C on transcript NM_001035.3 (MANE Select); coding-DNA position 7417, G replaced by C.
Protein change: p.Asp2473His; replaces aspartic acid 2473 with histidine.
Molecular consequence: missense variant.
Genome position (GRCh38, 1-based): chr1:237,648,518, G>C. VCF-style: chr1-237648518-G-C. GRCh37 (hg19) VCF-style: chr1-237811818-G-C.
Other names: short protein forms D2473H.
Identifiers: ClinVar variation 4757580 (VCV004757580.1).